The following is an entry in ClinVar:

ClinVar aggregate classification (germline): Uncertain significance (1 of 4 stars; one submission).

Submission:

Labcorp Genetics (formerly Invitae), Labcorp
Classification: Uncertain significance. Last evaluated: 2025-04-10. Review status: criteria provided, single submitter. Criteria: Invitae Variant Classification Sherloc (09022015). Collection method: clinical testing. Allele origin: germline.
Comment: This variant, c.65_73dup, results in the insertion of 3 amino acid(s) of the KL protein (p.Val22_Leu24dup), but otherwise preserves the integrity of the reading frame. The frequency data for this variant in the population databases is considered unreliable, as metrics indicate insufficient coverage at this position in the gnomAD database. This variant has not been reported in the literature in individuals affected with KL-related conditions. In summary, the available evidence is currently insufficient to determine the role of this variant in disease. Therefore, it has been classified as a Variant of Uncertain Significance.

NM_004795.4(KL):c.56TGCTGCTGG[3] (p.Leu24_Gly25insValLeuLeu)

Gene: KL (klotho; plus strand). Cytogenetic location: 13q13.1.
Variant type: Microsatellite.
Coding change: c.56TGCTGCTGG[3] on transcript NM_004795.4 (MANE Select); three copies in a row of the 9-base unit TGCTGCTGG starting at c.56; the reference has two copies in a row; one copy, 9 bases duplicated.
Protein change: p.Leu24_Gly25insValLeuLeu.
Molecular consequence: inframe insertion.
Genome position (GRCh38, 1-based): chr13:33,016,505-33,016,513, TGCTGCTGG duplicated; duplicating any 9 consecutive bases within chr13:33,016,496-33,016,513 gives the same sequence; the position shown is the placement nearest the transcript's 3' end. VCF-style (leftmost placement, unchanged base first): chr13-33016495-C-CTGCTGCTGG. GRCh37 (hg19) VCF-style: chr13-33590633-C-CTGCTGCTGG.
Identifiers: ClinVar variation 4700610 (VCV004700610.1).
Genomic context (GRCh38, chr13:33,016,495, plus strand): 5'-CGCAGCATGCCCGCCAGCGCCCCGCCGCGCCGCCCGCGGCCGCCGCCGCCGTCGCTGTCG[C>CTGCTGCTGG]TGCTGCTGGTGCTGCTGGGCCTGGGCGGCCGCCGCCTGCGTGCGGAGCCGGGCGACGGCG-3'